The following is an entry in ClinVar:

ClinVar aggregate classification (germline): Conflicting classifications of pathogenicity. Review status: criteria provided, conflicting classifications (1 of 4 stars). 5 submissions from 5 submitters: Uncertain significance (1); Benign (1); Likely benign (3). Last evaluated 2026-01-25.

Conditions:
Inborn genetic diseases. Identifiers: MedGen C0950123, MeSH D030342.

Allele frequency attached by ClinVar (database versions not stated): gnomAD exomes 0.00003 and 0.00012; ExAC 0.00012; gnomAD 0.00025 and 0.00026; TOPMed 0.00029; 1000 Genomes Project 30x 0.00031; 1000 Genomes Project 0.00040; ESP Exome Variant Server 0.00042.
gnomAD v4.1: 75 of 1,613,194 alleles (0.0046%); highest among the groups gnomAD compares: African/African-American, 0.073%; no homozygotes.

Submissions (5):

Labcorp Genetics (formerly Invitae), Labcorp
Classification: Benign. Last evaluated: 2026-01-25. Review status: criteria provided, single submitter. Criteria: Invitae Variant Classification Sherloc (09022015). Collection method: clinical testing. Allele origin: germline.

Ambry Genetics
Classification: Uncertain significance for Inborn genetic diseases. Last evaluated: 2025-01-29. Review status: criteria provided, single submitter. Criteria: Ambry Variant Classification Scheme 2023. Collection method: clinical testing. Allele origin: germline.

GeneDx
Classification: Likely benign. Last evaluated: 2021-09-18. Review status: criteria provided, single submitter. Criteria: GeneDx Variant Classification Process June 2021. Collection method: clinical testing. Allele origin: germline. Affected: yes.

Blueprint Genetics
Classification: Likely benign. Last evaluated: 2021-09-17. Review status: criteria provided, single submitter. Criteria: ACMG Guidelines, 2015. Collection method: clinical testing. Allele origin: germline.

Laboratory for Molecular Medicine, Mass General Brigham Personalized Medicine
Classification: Likely benign. Last evaluated: 2013-01-29. Review status: criteria provided, single submitter. Criteria: LMM Criteria. Collection method: clinical testing. Allele origin: germline. Observed: 2 variant alleles.
Comment: Ser2081Cys in exon 28 of GPR98: This variant is not expected to have clinical si gnificance because serine (Ser) at position 2081 is not conserved in mammals or evolutionarily distant species and the change to cysteine (Cys) is present in ka ngaroo rat. In addition, this variant has been identified in 0.13%% (5/3702) of African American chromosomes from a broad population by the NHLBI Exome Sequenci ng Project (dbSNP rs201210744) .

NM_032119.4(ADGRV1):c.6242C>G (p.Ser2081Cys)

Gene: ADGRV1 (adhesion G protein-coupled receptor V1; plus strand). Cytogenetic location: 5q14.3.
Variant type: single nucleotide variant.
Coding change: c.6242C>G on transcript NM_032119.4 (MANE Select); coding-DNA position 6242, C replaced by G.
Protein change: p.Ser2081Cys; replaces serine 2081 with cysteine.
Molecular consequence: missense variant. On other transcripts: non-coding transcript variant (1).
Genome position (GRCh38, 1-based): chr5:90,684,163, C>G. VCF-style: chr5-90684163-C-G. GRCh37 (hg19) VCF-style: chr5-89979980-C-G.
Other names: short protein forms S2081C.
Identifiers: ClinVar variation 46349 (VCV000046349.16), dbSNP rs201210744, ClinGen allele CA138169.